The following is an entry in ClinVar:

ClinVar aggregate classification (germline): Likely pathogenic (1 of 4 stars; one submission).

Allele frequency attached by ClinVar (database versions not stated): TOPMed below 0.00001; gnomAD 0.00001.
gnomAD v4.1: 3 of 1,612,950 alleles (0.00019%); highest among the groups gnomAD compares: Non-Finnish European, 0.00025%; no homozygotes.

Submission:

GeneDx
Classification: Likely pathogenic. Last evaluated: 2023-12-08. Review status: criteria provided, single submitter. Criteria: GeneDx Variant Classification Process June 2021. Collection method: clinical testing. Allele origin: germline.
Comment: Has not been previously published as pathogenic or benign to our knowledge; Not observed at significant frequency in large population cohorts (gnomAD); In silico analysis supports that this missense variant has a deleterious effect on protein structure/function

NM_022370.4(ROBO3):c.1322T>G (p.Ile441Arg)

Gene: ROBO3 (roundabout guidance receptor 3; plus strand). Cytogenetic location: 11q24.2.
Variant type: single nucleotide variant.
Coding change: c.1322T>G on transcript NM_022370.4 (MANE Select); coding-DNA position 1322, T replaced by G.
Protein change: p.Ile441Arg; replaces isoleucine 441 with arginine.
Molecular consequence: missense variant.
Genome position (GRCh38, 1-based): chr11:124,872,544, T>G. VCF-style: chr11-124872544-T-G. GRCh37 (hg19) VCF-style: chr11-124742440-T-G.
Other names: short protein forms I441R.
Identifiers: ClinVar variation 2663329 (VCV002663329.2), dbSNP rs748424524, ClinGen allele CA383142160.